The following is an entry in ClinVar:

ClinVar aggregate classification (germline): Uncertain significance. Review status: criteria provided, multiple submitters, no conflicts (2 of 4 stars). 2 submissions from 2 submitters: Uncertain significance (2). Last evaluated 2026-05-26.

Conditions:
BNAR syndrome. Also called: Bifid Nose With or Without Anorectal and Renal Anomalies (BNAR) Syndrome. Identifiers: Orphanet 217266, MedGen C2750433, MONDO:0012165, OMIM 608980.
Oculotrichoanal syndrome (MOTA). Also called: MARLES SYNDROME; Manitoba Oculotrichoanal (MOTA) Syndrome. Identifiers: Orphanet 2717, MedGen C1855425, MONDO:0009560, OMIM 248450.
Trigonocephaly 2 (TRIGNO2). Identifiers: Orphanet 3366, MedGen C3280974, MONDO:0013774, OMIM 614485.
Inborn genetic diseases. Identifiers: MedGen C0950123, MeSH D030342.

gnomAD v4.1: 2 of 1,613,198 alleles (0.00012%); highest among the groups gnomAD compares: Admixed American, 0.0033%; no homozygotes.

Submissions (2):

Ambry Genetics
Classification: Uncertain significance for Inborn genetic diseases. Last evaluated: 2026-05-26. Review status: criteria provided, single submitter. Criteria: Ambry Variant Classification Scheme 2023. Collection method: clinical testing. Allele origin: germline.
Comment: The c.6291G>T (p.Q2097H) alteration is located in exon 37 (coding exon 35) of the FREM1 gene. This alteration results from a G to T substitution at nucleotide position 6291, causing the glutamine (Q) at amino acid position 2097 to be replaced by a histidine (H). Based on data from gnomAD, the T allele has an overall frequency of <0.001% (1/248622) total alleles studied. The highest observed frequency was 0.003% (1/34266) of Latino alleles. Based on insufficient or conflicting evidence, the clinical significance of this alteration remains unclear.

Fulgent Genetics
Classification: Uncertain significance for Oculotrichoanal syndrome; BNAR syndrome; Trigonocephaly 2. Last evaluated: 2024-04-16. Review status: criteria provided, single submitter. Criteria: ACMG Guidelines, 2015. Collection method: clinical testing. Allele origin: germline.

NM_001379081.2(FREM1):c.6291G>T (p.Gln2097His)

Gene: FREM1 (FRAS1 related extracellular matrix 1; minus strand). Cytogenetic location: 9p22.3.
Variant type: single nucleotide variant.
Coding change: c.6291G>T on transcript NM_001379081.2 (MANE Select); coding-DNA position 6291, G replaced by T.
Protein change: p.Gln2097His; replaces glutamine 2097 with histidine.
Molecular consequence: missense variant. On other transcripts: non-coding transcript variant (3).
Genome position (GRCh38, 1-based): chr9:14,740,198, C>A on the plus strand (G>T on the coding strand, the complement: FREM1 is on the minus strand). VCF-style: chr9-14740198-C-A. GRCh37 (hg19) VCF-style: chr9-14740196-C-A.
Other names: c.6291G>T (NM_144966.5); c.1899G>T, p.Gln633His (NM_001177704.3, NM_001370061.2); c.1633G>T, p.Ala545Ser (NM_001370058.2); c.6291G>T, p.Gln2097His (NM_144966.7); short protein forms A545S, Q633H, Q2097H.
Identifiers: ClinVar variation 3596961 (VCV003596961.2).
Genomic context (GRCh38, chr9:14,740,198, plus strand): 5'-CAGATACTTGCCTATCCAAAAGGACTTTCTCCCACCAATGTCCCAGAGCCACCGCATGTG[C>A]TGCCTGGAGAATACAGTTACAAGGTTGCCCAGGTATCTAAATGCAAATGAAAATGAGAGT-3'
Protein context (NP_001366010.1, residues 2087-2107): LGNLVTVFSR[Gln2097His]HMRWLWDIGG